The following is an entry in ClinVar:

NM_000093.5(COL5A1):c.4158G>A (p.Ser1386=)

Gene: COL5A1 (collagen type V alpha 1 chain; plus strand). Cytogenetic location: 9q34.3.
Variant type: single nucleotide variant.
Coding change: c.4158G>A on transcript NM_000093.5 (MANE Select); coding-DNA position 4158, G replaced by A.
Protein change: p.Ser1386=; no amino-acid change (serine 1386 retained).
Molecular consequence: synonymous variant.
Genome position (GRCh38, 1-based): chr9:134,817,061, G>A. VCF-style: chr9-134817061-G-A. GRCh37 (hg19) VCF-style: chr9-137708907-G-A.
Other names: c.4158G>A (NM_000093.3); c.4158G>A, p.Ser1386= (NM_001278074.1).
Identifiers: ClinVar variation 459689 (VCV000459689.34), dbSNP rs1383677988, ClinGen allele CA467663842.

ClinVar aggregate classification (germline): Likely benign. Review status: criteria provided, multiple submitters, no conflicts (2 of 4 stars). 3 submissions from 3 submitters: Likely benign (3). Last evaluated 2025-04-02.

Conditions:
Ehlers-Danlos syndrome, classic type, 1 (EDSCL1). Also called: EDS I; Ehlers-Danlos syndrome, type 1; Ehlers-Danlos Syndrome, Classic Type, COL5A1-Related; EHLERS-DANLOS SYNDROME, GRAVIS TYPE; EHLERS-DANLOS SYNDROME, SEVERE CLASSIC TYPE. Identifiers: MedGen C0268335, MONDO:0019567, OMIM 130000.
Familial thoracic aortic aneurysm and aortic dissection (TAAD). Also called: Thoracic aortic aneurysms and dissections. Identifiers: Orphanet 91387, MedGen C4707243, MONDO:0019625.

Allele frequency attached by ClinVar (database versions not stated): gnomAD exomes below 0.00001.
gnomAD v4.1: 8 of 1,613,664 alleles (0.0005%); highest among the groups gnomAD compares: South Asian, 0.0033%; no homozygotes.

Submissions (3):

Labcorp Genetics (formerly Invitae), Labcorp
Classification: Likely benign for Ehlers-Danlos syndrome, classic type, 1. Last evaluated: 2025-04-02. Review status: criteria provided, single submitter. Criteria: Invitae Variant Classification Sherloc (09022015). Collection method: clinical testing. Allele origin: germline.

CeGaT Center for Human Genetics Tuebingen
Classification: Likely benign. Last evaluated: 2023-01-01. Review status: criteria provided, single submitter. Criteria: CeGaT Center For Human Genetics Tuebingen Variant Classification Criteria Version 2. Collection method: clinical testing. Allele origin: germline. Affected: yes. Observed: 1 variant allele.
Comment: COL5A1: BP4, BP7

Ambry Genetics
Classification: Likely benign for Familial thoracic aortic aneurysm and aortic dissection. Last evaluated: 2022-11-27. Review status: criteria provided, single submitter. Criteria: Ambry Variant Classification Scheme 2023. Collection method: clinical testing. Allele origin: germline.